The following is an entry in ClinVar:

NM_004360.5(CDH1):c.639del (p.Trp213fs)

Gene: CDH1 (cadherin 1; plus strand). Cytogenetic location: 16q22.1.
Variant type: Deletion.
Coding change: c.639del on transcript NM_004360.5 (MANE Select); coding-DNA position 639, one base deleted (G; older notation c.639delG).
Protein change: p.Trp213fs; shifts the reading frame from tryptophan 213.
Molecular consequence: frameshift variant. On other transcripts: 5 prime UTR variant (2).
Genome position (GRCh38, 1-based): chr16:68,808,800, G deleted; the last of 2 consecutive G bases (chr16:68,808,799-68,808,800); deleting either gives the same sequence. VCF-style (leftmost placement, unchanged base first): chr16-68808798-TG-T. GRCh37 (hg19) VCF-style: chr16-68842701-TG-T.
Other names: c.639del, p.Trp213fs (NM_001317184.2); c.-977del (NM_001317185.2); c.-1181del (NM_001317186.2); short protein forms W213fs.
Identifiers: ClinVar variation 2502922 (VCV002502922.1), dbSNP rs2543916227, ClinGen allele CA2580612858.

ClinVar aggregate classification (germline): Pathogenic (1 of 4 stars; one submission).

Conditions:
Hereditary diffuse gastric adenocarcinoma (HDGC). Also called: DIFFUSE GASTRIC AND LOBULAR BREAST CANCER SYNDROME. Identifiers: Orphanet 26106, MedGen C1708349, MONDO:0007648, OMIM 137215.

Submission:

European Reference Network on Genetic Tumour Risk Syndromes (ERN-GENTURIS), i3s - Instituto de Investigação e Inovação em Saúde, University of Porto
Classification: Pathogenic for Hereditary diffuse gastric adenocarcinoma. Last evaluated: 2022-08-01. Review status: criteria provided, single submitter. Criteria: Lee et al. (Hum Mutat. 2018). Collection method: clinical testing. Allele origin: germline. Inheritance: Autosomal dominant inheritance. Affected: yes. Study: ERN GENTURIS.
Comment: PVS1; PS4_Supporting; PM2 (PMID: 30311375)

Literature cited by the submitters: PubMed 36436516; PubMed 28688938.